The following is an entry in ClinVar:

ClinVar aggregate classification (germline): Uncertain significance. Review status: criteria provided, multiple submitters, no conflicts (2 of 4 stars). 2 submissions from 2 submitters: Uncertain significance (2). Last evaluated 2025-09-11.

Conditions:
Hereditary cancer-predisposing syndrome. Also called: Tumor predisposition; Hereditary neoplastic syndrome; Neoplastic Syndromes, Hereditary; Hereditary Cancer Syndrome. Identifiers: Orphanet 140162, MedGen C0027672, MeSH D009386, MONDO:0015356.
Multiple endocrine neoplasia, type 2 (MEN2). Identifiers: Orphanet 653, MedGen C4048306, MONDO:0019003. Disease mechanism: gain of function.

gnomAD v4.1: 2 of 1,613,912 alleles (0.00012%); highest among the groups gnomAD compares: South Asian, 0.0011%; no homozygotes.

Submissions (2):

Ambry Genetics
Classification: Uncertain significance for Hereditary cancer-predisposing syndrome. Last evaluated: 2025-09-11. Review status: criteria provided, single submitter. Criteria: Ambry Variant Classification Scheme 2023. Collection method: clinical testing. Allele origin: germline.
Comment: The p.R982L variant (also known as c.2945G>T), located in coding exon 18 of the RET gene, results from a G to T substitution at nucleotide position 2945. The arginine at codon 982 is replaced by leucine, an amino acid with dissimilar properties. This amino acid position is not well conserved in available vertebrate species. In addition, this alteration is predicted to be tolerated by in silico analysis. Based on the available evidence, the clinical significance of this variant remains unclear.

Labcorp Genetics (formerly Invitae), Labcorp
Classification: Uncertain significance for Multiple endocrine neoplasia, type 2. Last evaluated: 2020-09-09. Review status: criteria provided, single submitter. Criteria: Invitae Variant Classification Sherloc (09022015). Collection method: clinical testing. Allele origin: germline.
Comment: Algorithms developed to predict the effect of missense changes on protein structure and function (SIFT, PolyPhen-2, Align-GVGD) all suggest that this variant is likely to be tolerated, but these predictions have not been confirmed by published functional studies and their clinical significance is uncertain. In summary, the available evidence is currently insufficient to determine the role of this variant in disease. Therefore, it has been classified as a Variant of Uncertain Significance. This variant has not been reported in the literature in individuals with RET-related conditions. This variant is not present in population databases (ExAC no frequency). This sequence change replaces arginine with leucine at codon 982 of the RET protein (p.Arg982Leu). The arginine residue is weakly conserved and there is a moderate physicochemical difference between arginine and leucine.

NM_020975.6(RET):c.2945G>T (p.Arg982Leu)

Gene: RET (ret proto-oncogene; plus strand). Cytogenetic location: 10q11.21.
Variant type: single nucleotide variant.
Coding change: c.2945G>T on transcript NM_020975.6 (MANE Select); coding-DNA position 2945, G replaced by T.
Protein change: p.Arg982Leu; replaces arginine 982 with leucine.
Molecular consequence: missense variant.
Genome position (GRCh38, 1-based): chr10:43,124,888, G>T. VCF-style: chr10-43124888-G-T. GRCh37 (hg19) VCF-style: chr10-43620336-G-T.
Other names: c.2945G>T, p.Arg982Leu (NM_000323.2, NM_001406743.1, NM_001406744.1 and 4 more transcripts); c.2183G>T, p.Arg728Leu (NM_001355216.2); c.2816G>T, p.Arg939Leu (NM_001406761.1, NM_001406762.1, NM_001406764.1); c.2810G>T, p.Arg937Leu (NM_001406763.1, NM_001406765.1); c.2657G>T, p.Arg886Leu (NM_001406766.1, NM_001406767.1, NM_001406770.1); c.2681G>T, p.Arg894Leu (NM_001406768.1); c.2549G>T, p.Arg850Leu (NM_001406769.1, NM_001406772.1); c.2507G>T, p.Arg836Leu (NM_001406771.1, NM_001406773.1); and 10 more; short protein forms R728L, R982L, R499L, R587L, R640L, R643L, R807L, R547L.
Identifiers: ClinVar variation 1008954 (VCV001008954.13), dbSNP rs368550200, ClinGen allele CA206267553.